The following is an entry in ClinVar:

NM_173849.3(GSC):c.136G>T (p.Ala46Ser)

Gene: GSC (goosecoid homeobox; minus strand). Cytogenetic location: 14q32.13.
Variant type: single nucleotide variant.
Coding change: c.136G>T on transcript NM_173849.3 (MANE Select); coding-DNA position 136, G replaced by T.
Protein change: p.Ala46Ser; replaces alanine 46 with serine.
Molecular consequence: missense variant.
Genome position (GRCh38, 1-based): chr14:94,769,880, C>A on the plus strand (G>T on the coding strand, the complement: GSC is on the minus strand). VCF-style: chr14-94769880-C-A. GRCh37 (hg19) VCF-style: chr14-95236217-C-A.
Other names: short protein forms A46S.
Identifiers: ClinVar variation 1471268 (VCV001471268.6), dbSNP rs747295443, ClinGen allele CA391149114.
Genomic context (GRCh38, chr14:94,769,880, plus strand): 5'-CGCCGGGGGCCACGGGGCGCGGGTAGAAGGCGCCATAGTCCGAGGAGGCGCCGCCGCTGG[C>A]GCCGTAGAGCGAGTCCCCGTGCAGGGCCGGGAAGACGACGGGAGCCGCCGCGCTGTGCGC-3'
Protein context (NP_776248.1, residues 36-56): PALHGDSLYG[Ala46Ser]SGGASSDYGA

ClinVar aggregate classification (germline): Uncertain significance (1 of 4 stars; one submission).

Submission:

Labcorp Genetics (formerly Invitae), Labcorp
Classification: Uncertain significance. Last evaluated: 2022-07-19. Review status: criteria provided, single submitter. Criteria: Invitae Variant Classification Sherloc (09022015). Collection method: clinical testing. Allele origin: germline.
Comment: This variant is present in population databases (no rsID available, gnomAD 0.02%). This sequence change replaces alanine, which is neutral and non-polar, with serine, which is neutral and polar, at codon 46 of the GSC protein (p.Ala46Ser). This variant has not been reported in the literature in individuals affected with GSC-related conditions. In summary, the available evidence is currently insufficient to determine the role of this variant in disease. Therefore, it has been classified as a Variant of Uncertain Significance. Algorithms developed to predict the effect of missense changes on protein structure and function are either unavailable or do not agree on the potential impact of this missense change (SIFT: "Deleterious"; PolyPhen-2: "Benign"; Align-GVGD: "Class C0"). ClinVar contains an entry for this variant (Variation ID: 1471268).